The following is an entry in ClinVar:

NM_139058.3(ARX):c.763G>C (p.Asp255His)

Gene: ARX (aristaless related homeobox; minus strand). Cytogenetic location: Xp21.3.
Variant type: single nucleotide variant.
Coding change: c.763G>C on transcript NM_139058.3 (MANE Select); coding-DNA position 763, G replaced by C.
Protein change: p.Asp255His; replaces aspartic acid 255 with histidine.
Molecular consequence: missense variant.
Genome position (GRCh38, 1-based): chrX:25,013,232, C>G on the plus strand (G>C on the coding strand, the complement: ARX is on the minus strand). VCF-style: chrX-25013232-C-G. GRCh37 (hg19) VCF-style: chrX-25031349-C-G.
Other names: short protein forms D255H.
Identifiers: ClinVar variation 4536261 (VCV004536261.1).
Genomic context (GRCh38, chrX:25,013,232, plus strand): 5'-CCACGGCGCCAGTGGCGGCCACAGGACAGCGCCGGGGCTCCTTGAGCAGCGCGCGGGCGT[C>G]GTCCTCCAGCAGCTCCTCCTCGTCGTCCTCCAGCAGTTCCTCTTCCTCGTCCTCATCTTC-3'
Protein context (NP_620689.1, residues 245-265): EDDEEELLED[Asp255His]ARALLKEPRR

ClinVar aggregate classification (germline): Uncertain significance (1 of 4 stars; one submission).

Submission:

GeneDx
Classification: Uncertain significance. Last evaluated: 2025-06-02. Review status: criteria provided, single submitter. Criteria: GeneDx Variant Classification Process June 2021. Collection method: clinical testing. Allele origin: germline. Affected: yes.
Comment: Not observed at significant frequency in large population cohorts (gnomAD); In silico analysis suggests that this missense variant does not alter protein structure/function; Has not been previously published as pathogenic or benign to our knowledge; This variant is associated with the following publications: (PMID: 20300201)